The following is an entry in ClinVar:

NM_005861.4(STUB1):c.344C>T (p.Ala115Val)

Gene: STUB1 (STIP1 homology and U-box containing protein 1; plus strand). Cytogenetic location: 16p13.3.
Variant type: single nucleotide variant.
Coding change: c.344C>T on transcript NM_005861.4 (MANE Select); coding-DNA position 344, C replaced by T.
Protein change: p.Ala115Val; replaces alanine 115 with valine.
Molecular consequence: missense variant.
Genome position (GRCh38, 1-based): chr16:681,336, C>T. VCF-style: chr16-681336-C-T. GRCh37 (hg19) VCF-style: chr16-731336-C-T.
Other names: c.128C>T, p.Ala43Val (NM_001293197.2); short protein forms A115V, A43V.
Identifiers: ClinVar variation 4751401 (VCV004751401.1).

ClinVar aggregate classification (germline): Uncertain significance (1 of 4 stars; one submission).

Submission:

Labcorp Genetics (formerly Invitae), Labcorp
Classification: Uncertain significance. Last evaluated: 2025-12-11. Review status: criteria provided, single submitter. Criteria: Invitae Variant Classification Sherloc (09022015). Collection method: clinical testing. Allele origin: germline.
Comment: This sequence change replaces alanine, which is neutral and non-polar, with valine, which is neutral and non-polar, at codon 115 of the STUB1 protein (p.Ala115Val). This variant is present in population databases (rs770142723, gnomAD 0.003%). This variant has not been reported in the literature in individuals affected with STUB1-related conditions. Invitae Evidence Modeling of protein sequence and biophysical properties (such as structural, functional, and spatial information, amino acid conservation, physicochemical variation, residue mobility, and thermodynamic stability) indicates that this missense variant is not expected to disrupt STUB1 protein function with a negative predictive value of 80%. In summary, the available evidence is currently insufficient to determine the role of this variant in disease. Therefore, it has been classified as a Variant of Uncertain Significance.